The following is an entry in ClinVar:

ClinVar aggregate classification (germline): Pathogenic (1 of 4 stars; one submission).

Conditions:
X-linked myopathy with postural muscle atrophy. Also called: FHL1-Related Emery-Dreifuss Muscular Dystrophy, X-Linked. Identifiers: Orphanet 178461, MedGen C2678055, MONDO:0010401, OMIM 300696.

Submission:

Labcorp Genetics (formerly Invitae), Labcorp
Classification: Pathogenic for X-linked myopathy with postural muscle atrophy. Last evaluated: 2022-07-12. Review status: criteria provided, single submitter. Criteria: Invitae Variant Classification Sherloc (09022015). Collection method: clinical testing. Allele origin: germline.
Comment: This variant is not present in population databases (gnomAD no frequency). This sequence change creates a premature translational stop signal (p.Ser140Leufs*3) in the FHL1 gene. It is expected to result in an absent or disrupted protein product. Loss-of-function variants in FHL1 are known to be pathogenic (PMID: 18179888, 19687455, 19716112, 22523091, 24114807). This variant has not been reported in the literature in individuals affected with FHL1-related conditions. For these reasons, this variant has been classified as Pathogenic. ClinVar contains an entry for this variant (Variation ID: 469630).

Literature cited by the submitters: PubMed 18179888; PubMed 19687455; PubMed 19716112; PubMed 22523091; PubMed 24114807.

NM_001159699.2(FHL1):c.466_470del (p.Ser156fs)

Gene: FHL1 (four and a half LIM domains 1; plus strand). Cytogenetic location: Xq26.3.
Variant type: Deletion.
Coding change: c.466_470del on transcript NM_001159699.2 (MANE Select); coding-DNA positions 466 to 470, 5 bases deleted (AGCTT; older notation c.466_470delAGCTT).
Protein change: p.Ser156fs; shifts the reading frame from serine 156.
Molecular consequence: frameshift variant. On other transcripts: non-coding transcript variant (1).
Genome position (GRCh38, 1-based): chrX:136,207,878-136,207,882, AGCTT deleted. VCF-style (leftmost placement, unchanged base first): chrX-136207877-AAGCTT-A. GRCh37 (hg19) VCF-style: chrX-135290036-AAGCTT-A.
Other names: c.418_422del, p.Ser140fs (NM_001159700.2, NM_001159702.3, NM_001159703.2 and 9 more transcripts); c.505_509del, p.Ser169fs (NM_001159701.2); c.466_470del, p.Ser156fs (NM_001330659.2); short protein forms S140fs, S169fs, S156fs.
Identifiers: ClinVar variation 469630 (VCV000469630.6), dbSNP rs1556639151, ClinGen allele CA658659045.